The following is an entry in ClinVar:

ClinVar aggregate classification (germline): Likely pathogenic (1 of 4 stars; one submission).

Conditions:
Infantile nephronophthisis (NPHP2). Also called: Nephronophthisis 2, infantile; Nephronophthisis 2. Identifiers: Orphanet 655, Orphanet 93591, MedGen C1865872, MONDO:0011190, OMIM 602088.

Submission:

Knight Diagnostic Laboratories, Oregon Health and Sciences University
Classification: Likely pathogenic for Infantile nephronophthisis. Last evaluated: 2016-04-19. Review status: criteria provided, single submitter. Criteria: ACMG Guidelines, 2015. Collection method: clinical testing. Allele origin: germline. Affected: no. Study: CSER-NextGen.
Comment: A heterozygous deletion of the 5â€™-UTR and exons 1 and 2 was detected by a single copy loss of 117 oligonucleotide probes spanning approximately 139,883 bp in the INVS gene, Hg19 chr9: g.( 102814578_102860399)_(102967421_102968415)del (NM_ 001318381). This variant has not been previously reported in an affected individual. Exon 2, which is deleted in this CNV, contains the start codon, implying a loss of the initiation codon. Several frameshift and nonsense variants in this gene have been described in affected individuals (Tory K et al., 2009) suggesting that loss of functions is mechanism of disease. Based on these criteria, this CNV is interpreted at Likely Pathogenic. We have confirmed the findings using a custom exon-centric microarray.

Single allele

Genes: ERP44 (endoplasmic reticulum protein 44; minus strand), INVS (inversin; plus strand). Cytogenetic location: 9q31.1.
Variant type: Deletion.
Identifiers: ClinVar variation 402241 (VCV000402241.1).